The following is an entry in ClinVar:

NM_194248.3(OTOF):c.1803+1del

Gene: OTOF (otoferlin; minus strand). Cytogenetic location: 2p23.3.
Variant type: Deletion.
Coding change: c.1803+1del on transcript NM_194248.3 (MANE Select); the canonical splice donor site of the intron after coding-DNA position 1803, one base deleted (G; older notation c.1803+1delG).
Molecular consequence: splice donor variant.
Genome position (GRCh38, 1-based): chr2:26,480,785, C deleted on the plus strand (G on the coding strand, the reverse complement: OTOF is on the minus strand); the first of 2 consecutive C bases (chr2:26,480,785-26,480,786); deleting either gives the same sequence. VCF-style (leftmost placement, unchanged base first): chr2-26480784-AC-A. GRCh37 (hg19) VCF-style: chr2-26703652-AC-A.
Other names: c.1803+1del (NM_001287489.2).
Identifiers: ClinVar variation 4818910 (VCV004818910.1).

ClinVar aggregate classification (germline): Likely pathogenic (1 of 4 stars; one submission).

Submission:

GeneDx
Classification: Likely pathogenic. Last evaluated: 2025-09-25. Review status: criteria provided, single submitter. Criteria: GeneDx Variant Classification Process June 2021. Collection method: clinical testing. Allele origin: germline. Affected: yes.
Comment: Canonical splice site variant predicted to result in a null allele in a gene for which loss of function is a known mechanism of disease; Not observed at significant frequency in large population cohorts (gnomAD); Has not been previously published as pathogenic or benign to our knowledge